The following is an entry in ClinVar:

NM_001388308.1(KIF12):c.1698-4C>A

Gene: KIF12 (kinesin family member 12; minus strand). Cytogenetic location: 9q32.
Variant type: single nucleotide variant.
Coding change: c.1698-4C>A on transcript NM_001388308.1 (MANE Select); 4 bases into the intron before coding-DNA position 1698, C replaced by A.
Molecular consequence: intron variant.
Genome position (GRCh38, 1-based): chr9:114,092,455, G>T on the plus strand (C>A on the coding strand, the complement: KIF12 is on the minus strand). VCF-style: chr9-114092455-G-T. GRCh37 (hg19) VCF-style: chr9-116854735-G-T.
Other names: c.1284-4C>A (NM_138424.2).
Identifiers: ClinVar variation 161803 (VCV000161803.2), dbSNP rs193920925, ClinGen allele CA174815.

ClinVar aggregate classification (germline): Uncertain significance (0 of 4 stars; one submission).

Conditions:
Prostate cancer. Also called: Malignant tumor of prostate. Identifiers: Orphanet 1331, MedGen C0376358, MONDO:0008315, HP:0012125.

Submission:

Science for Life laboratory,  Karolinska Institutet
Classification: Uncertain significance for Malignant tumor of prostate. Review status: no assertion criteria provided. Collection method: not provided. Allele origin: somatic.
Comment: TumorID:SWE-19
ClinVar note: Converted during submission from Unknown to Uncertain significance.